The following is an entry in ClinVar:

ClinVar aggregate classification (germline): Likely pathogenic (1 of 4 stars; one submission).

Conditions:
Vici syndrome (VICIS). Identifiers: Orphanet 1493, MedGen C1855772, MONDO:0009452, OMIM 242840.

Allele frequency attached by ClinVar (database versions not stated): TOPMed below 0.00001; gnomAD 0.00001.

Submission:

Labcorp Genetics (formerly Invitae), Labcorp
Classification: Likely pathogenic for Vici syndrome. Last evaluated: 2024-02-28. Review status: criteria provided, single submitter. Criteria: Invitae Variant Classification Sherloc (09022015). Collection method: clinical testing. Allele origin: germline.
Comment: This sequence change affects a donor splice site in intron 1 of the EPG5 gene. It is expected to disrupt RNA splicing. Variants that disrupt the donor or acceptor splice site typically lead to a loss of protein function (PMID: 16199547), and loss-of-function variants in EPG5 are known to be pathogenic (PMID: 23222957, 23674064). This variant is not present in population databases (gnomAD no frequency). This variant has not been reported in the literature in individuals affected with EPG5-related conditions. Algorithms developed to predict the effect of sequence changes on RNA splicing suggest that this variant may disrupt the consensus splice site. In summary, the currently available evidence indicates that the variant is pathogenic, but additional data are needed to prove that conclusively. Therefore, this variant has been classified as Likely Pathogenic.

Literature cited by the submitters: PubMed 16199547; PubMed 23222957; PubMed 23674064.

NM_020964.3(EPG5):c.63+1G>T

Gene: EPG5 (ectopic P-granules 5 autophagy tethering factor; minus strand). Cytogenetic location: 18q21.1.
Variant type: single nucleotide variant.
Coding change: c.63+1G>T on transcript NM_020964.3 (MANE Select); the canonical splice donor site of the intron after coding-DNA position 63, G replaced by T.
Molecular consequence: splice donor variant.
Genome position (GRCh38, 1-based): chr18:45,967,176, C>A on the plus strand (G>T on the coding strand, the complement: EPG5 is on the minus strand). VCF-style: chr18-45967176-C-A. GRCh37 (hg19) VCF-style: chr18-43547142-C-A.
Other names: c.63+1G>T (NM_001410858.1, NM_001410859.1).
Identifiers: ClinVar variation 2790493 (VCV002790493.3), dbSNP rs2051284935, ClinGen allele CA402349946.